The following is an entry in ClinVar:

NM_003242.6(TGFBR2):c.1603_1609delinsA (p.Ala535_Arg537delinsSer)

Gene: TGFBR2 (transforming growth factor beta receptor 2; plus strand). Cytogenetic location: 3p24.1.
Variant type: Indel.
Coding change: c.1603_1609delinsA on transcript NM_003242.6 (MANE Select); coding-DNA positions 1603 to 1609, GCAGAAC replaced by A.
Protein change: p.Ala535_Arg537delinsSer.
Molecular consequence: inframe indel.
Genome position (GRCh38, 1-based): chr3:30,691,498-30,691,504, GCAGAAC replaced by A. VCF-style: chr3-30691498-GCAGAAC-A. GRCh37 (hg19) VCF-style: chr3-30732990-GCAGAAC-A.
Other names: c.1678_1684delinsA, p.Ala560_Arg562delinsSer (NM_001024847.3); c.1786_1792delinsA, p.Ala596_Arg598delinsSer (NM_001407126.1); c.1711_1717delinsA, p.Ala571_Arg573delinsSer (NM_001407127.1); c.1630_1636delinsA, p.Ala544_Arg546delinsSer (NM_001407128.1); c.1606_1612delinsA, p.Ala536_Arg538delinsSer (NM_001407129.1); c.1600_1606delinsA, p.Ala534_Arg536delinsSer (NM_001407130.1); c.1498_1504delinsA, p.Ala500_Arg502delinsSer (NM_001407132.1, NM_001407133.1, NM_001407134.1 and 2 more transcripts); c.1318_1324delinsA, p.Ala440_Arg442delinsSer (NM_001407137.1); and 3 more.
Identifiers: ClinVar variation 3238821 (VCV003238821.2), dbSNP rs2470603922.

ClinVar aggregate classification (germline): Uncertain significance. Review status: criteria provided, multiple submitters, no conflicts (2 of 4 stars). 2 submissions from 2 submitters: Uncertain significance (2). Last evaluated 2024-03-18.

Conditions:
Loeys-Dietz syndrome 2 (LDS2). Also called: TGFBR2-Related Loeys-Dietz Syndrome; AORTIC ANEURYSM, FAMILIAL THORACIC 3; MARFAN SYNDROME, TYPE II; Marfan syndrome, type 2 (formerly); Marfan Syndrome type 2; Marfan like connective tissue disorder. Identifiers: Orphanet 284973, Orphanet 558, MedGen C2674574, MONDO:0012427, OMIM 610168.

Submissions (2):

Baylor Genetics
Classification: Uncertain significance for Loeys-Dietz syndrome 2. Last evaluated: 2024-03-18. Review status: criteria provided, single submitter. Criteria: ACMG Guidelines, 2015. Collection method: clinical testing. Allele origin: unknown.

GeneDx
Classification: Uncertain significance. Last evaluated: 2023-12-12. Review status: criteria provided, single submitter. Criteria: GeneDx Variant Classification Process June 2021. Collection method: clinical testing. Allele origin: germline. Affected: yes.
Comment: Not observed at significant frequency in large population cohorts (gnomAD); In-frame deletion of 3 amino acids and in-frame insertion] of 1 amino acids in a non-repeat region; In silico analysis supports a deleterious effect on protein structure/function; Has not been previously published as pathogenic or benign to our knowledge